The following is an entry in ClinVar:

NM_000094.4(COL7A1):c.3612G>A (p.Ala1204=)

Gene: COL7A1 (collagen type VII alpha 1 chain; minus strand). Cytogenetic location: 3p21.31.
Variant type: single nucleotide variant.
Coding change: c.3612G>A on transcript NM_000094.4 (MANE Select); coding-DNA position 3612, G replaced by A.
Protein change: p.Ala1204=; no amino-acid change (alanine 1204 retained).
Molecular consequence: synonymous variant.
Genome position (GRCh38, 1-based): chr3:48,586,185, C>T on the plus strand (G>A on the coding strand, the complement: COL7A1 is on the minus strand). VCF-style: chr3-48586185-C-T. GRCh37 (hg19) VCF-style: chr3-48623618-C-T.
Identifiers: ClinVar variation 751317 (VCV000751317.30), dbSNP rs762604188, ClinGen allele CA2380464.

ClinVar aggregate classification (germline): Likely benign. Review status: criteria provided, multiple submitters, no conflicts (2 of 4 stars). 4 submissions from 4 submitters: Likely benign (3). 1 of the submissions does not count toward it. Last evaluated 2026-02-27.

Conditions:
Inborn genetic diseases. Identifiers: MedGen C0950123, MeSH D030342.
Epidermolysis bullosa dystrophica inversa, autosomal recessive. Identifiers: MedGen C2673612.

Allele frequency attached by ClinVar (database versions not stated): ExAC 0.00002; gnomAD exomes 0.00002; gnomAD 0.00006; TOPMed 0.00006.
gnomAD v4.1: 43 of 1,613,248 alleles (0.0027%); highest among the groups gnomAD compares: African/African-American, 0.0067%; no homozygotes.

Submissions (4):

Ambry Genetics
Classification: Likely benign for Inborn genetic diseases. Last evaluated: 2026-02-27. Review status: criteria provided, single submitter. Criteria: Ambry Variant Classification Scheme 2023. Collection method: clinical testing. Allele origin: germline.

Labcorp Genetics (formerly Invitae), Labcorp
Classification: Likely benign. Last evaluated: 2025-07-13. Review status: criteria provided, single submitter. Criteria: Invitae Variant Classification Sherloc (09022015). Collection method: clinical testing. Allele origin: germline.

CeGaT Center for Human Genetics Tuebingen
Classification: Likely benign. Last evaluated: 2024-04-01. Review status: criteria provided, single submitter. Criteria: CeGaT Center For Human Genetics Tuebingen Variant Classification Criteria Version 2. Collection method: clinical testing. Allele origin: germline. Affected: yes. Observed: 1 variant allele.
Comment: COL7A1: BP4, BP7

Natera, Inc.
Classification: Likely benign for Autosomal recessive epidermolysis bullosa dystrophica inversa. Last evaluated: 2019-12-30. Review status: no assertion criteria provided. Collection method: clinical testing. Allele origin: germline. Not counted in ClinVar's aggregate classification.